The following is an entry in ClinVar:

ClinVar aggregate classification (germline): Uncertain significance (1 of 4 stars; one submission).

Allele frequency attached by ClinVar (database versions not stated): gnomAD 0.00001; gnomAD exomes 0.00001; TOPMed 0.00001.
gnomAD v4.1: 34 of 1,580,640 alleles (0.0022%); highest among the groups gnomAD compares: Non-Finnish European, 0.0028%; no homozygotes.

Submission:

Labcorp Genetics (formerly Invitae), Labcorp
Classification: Uncertain significance. Last evaluated: 2024-09-17. Review status: criteria provided, single submitter. Criteria: Invitae Variant Classification Sherloc (09022015). Collection method: clinical testing. Allele origin: germline.
Comment: This sequence change replaces alanine, which is neutral and non-polar, with threonine, which is neutral and polar, at codon 298 of the PLEKHM2 protein (p.Ala298Thr). The frequency data for this variant in the population databases is considered unreliable, as metrics indicate poor data quality at this position in the gnomAD database. This variant has not been reported in the literature in individuals affected with PLEKHM2-related conditions. ClinVar contains an entry for this variant (Variation ID: 853353). An algorithm developed to predict the effect of missense changes on protein structure and function outputs the following: PolyPhen-2: "Benign". The threonine amino acid residue is found in multiple mammalian species, which suggests that this missense change does not adversely affect protein function. In summary, the available evidence is currently insufficient to determine the role of this variant in disease. Therefore, it has been classified as a Variant of Uncertain Significance.

NM_015164.4(PLEKHM2):c.892G>A (p.Ala298Thr)

Gene: PLEKHM2 (pleckstrin homology and RUN domain containing M2; plus strand). Cytogenetic location: 1p36.21.
Variant type: single nucleotide variant.
Coding change: c.892G>A on transcript NM_015164.4 (MANE Select); coding-DNA position 892, G replaced by A.
Protein change: p.Ala298Thr; replaces alanine 298 with threonine.
Molecular consequence: missense variant.
Genome position (GRCh38, 1-based): chr1:15,725,496, G>A. VCF-style: chr1-15725496-G-A. GRCh37 (hg19) VCF-style: chr1-16051991-G-A.
Other names: short protein forms A298T.
Identifiers: ClinVar variation 853353 (VCV000853353.9), dbSNP rs1161474873, ClinGen allele CA338583102.